The following is an entry in ClinVar:

NM_000489.6(ATRX):c.2933C>T (p.Ser978Phe)

Gene: ATRX (ATRX chromatin remodeler; minus strand). Cytogenetic location: Xq21.1.
Variant type: single nucleotide variant.
Coding change: c.2933C>T on transcript NM_000489.6 (MANE Select); coding-DNA position 2933, C replaced by T.
Protein change: p.Ser978Phe; replaces serine 978 with phenylalanine.
Molecular consequence: missense variant.
Genome position (GRCh38, 1-based): chrX:77,682,323, G>A on the plus strand (C>T on the coding strand, the complement: ATRX is on the minus strand). VCF-style: chrX-77682323-G-A. GRCh37 (hg19) VCF-style: chrX-76937815-G-A.
Other names: c.2819C>T, p.Ser940Phe (NM_138270.5); short protein forms S940F, S978F.
Identifiers: ClinVar variation 3900090 (VCV003900090.1).

ClinVar aggregate classification (germline): Uncertain significance (1 of 4 stars; one submission).

gnomAD v4.1: 2 of 1,204,234 alleles (0.00017%); highest among the groups gnomAD compares: Non-Finnish European, 0.00022%; no homozygotes.

Submission:

GeneDx
Classification: Uncertain significance. Last evaluated: 2024-11-26. Review status: criteria provided, single submitter. Criteria: GeneDx Variant Classification Process June 2021. Collection method: clinical testing. Allele origin: germline. Affected: yes.
Comment: Not observed at significant frequency in large population cohorts (gnomAD); In silico analysis indicates that this missense variant does not alter protein structure/function; Has not been previously published as pathogenic or benign to our knowledge